The following is an entry in ClinVar:

NM_020686.6(ABAT):c.65T>A (p.Val22Glu)

Gene: ABAT (4-aminobutyrate aminotransferase; plus strand). Cytogenetic location: 16p13.2.
Variant type: single nucleotide variant.
Coding change: c.65T>A on transcript NM_020686.6 (MANE Select); coding-DNA position 65, T replaced by A.
Protein change: p.Val22Glu; replaces valine 22 with glutamic acid.
Molecular consequence: missense variant. On other transcripts: intron variant (3).
Genome position (GRCh38, 1-based): chr16:8,735,804, T>A. VCF-style: chr16-8735804-T-A. GRCh37 (hg19) VCF-style: chr16-8829661-T-A.
Other names: c.65T>A, p.Val22Glu (NM_000663.5, NM_001127448.2, NM_001386600.1 and 13 more transcripts); c.-65-10197T>A (NM_001386611.1, NM_001386612.1, NM_001386613.1); short protein forms V22E.
Identifiers: ClinVar variation 2012269 (VCV002012269.4), dbSNP rs2548960124, ClinGen allele CA394691252.

ClinVar aggregate classification (germline): Uncertain significance (1 of 4 stars; one submission).

Conditions:
Gamma-aminobutyric acid transaminase deficiency (GABATD). Also called: GABA transaminase deficiency; Gamma aminobutyrate transaminase deficiency; 4 alpha aminobutyrate transaminase deficiency; GABA aminotransaminase deficiency. Identifiers: Orphanet 2066, MedGen C0342708, MONDO:0013166, OMIM 613163.

Submission:

Labcorp Genetics (formerly Invitae), Labcorp
Classification: Uncertain significance for Gamma-aminobutyric acid transaminase deficiency. Last evaluated: 2023-05-23. Review status: criteria provided, single submitter. Criteria: Invitae Variant Classification Sherloc (09022015). Collection method: clinical testing. Allele origin: germline.
Comment: This variant has not been reported in the literature in individuals affected with ABAT-related conditions. ClinVar contains an entry for this variant (Variation ID: 2012269). An algorithm developed to predict the effect of missense changes on protein structure and function (PolyPhen-2) suggests that this variant is likely to be tolerated. In summary, the available evidence is currently insufficient to determine the role of this variant in disease. Therefore, it has been classified as a Variant of Uncertain Significance. This variant is not present in population databases (gnomAD no frequency). This sequence change replaces valine, which is neutral and non-polar, with glutamic acid, which is acidic and polar, at codon 22 of the ABAT protein (p.Val22Glu).